The following is an entry in ClinVar:

NM_000391.4(TPP1):c.614T>C (p.Ile205Thr)

Gene: TPP1 (tripeptidyl peptidase 1; minus strand). Cytogenetic location: 11p15.4.
Variant type: single nucleotide variant.
Coding change: c.614T>C on transcript NM_000391.4 (MANE Select); coding-DNA position 614, T replaced by C.
Protein change: p.Ile205Thr; replaces isoleucine 205 with threonine.
Molecular consequence: missense variant.
Genome position (GRCh38, 1-based): chr11:6,617,048, A>G on the plus strand (T>C on the coding strand, the complement: TPP1 is on the minus strand). VCF-style: chr11-6617048-A-G. GRCh37 (hg19) VCF-style: chr11-6638279-A-G.
Other names: short protein forms I205T.
Identifiers: ClinVar variation 1956608 (VCV001956608.3), dbSNP rs2493799388, ClinGen allele CA379475455.

ClinVar aggregate classification (germline): Uncertain significance. Review status: criteria provided, multiple submitters, no conflicts (2 of 4 stars). 2 submissions from 2 submitters: Uncertain significance (2). Last evaluated 2023-09-27.

Allele frequency attached by ClinVar (database versions not stated): gnomAD exomes below 0.00001.
gnomAD v4.1: 1 of 1,614,108 alleles (0.000062%); highest among the groups gnomAD compares: Non-Finnish European, 0.000085%; no homozygotes.

Submissions (2):

Revvity Omics, Revvity
Classification: Uncertain significance. Last evaluated: 2023-09-27. Review status: criteria provided, single submitter. Criteria: ACMG Guidelines, 2015. Collection method: clinical testing. Allele origin: germline.

Labcorp Genetics (formerly Invitae), Labcorp
Classification: Uncertain significance. Last evaluated: 2021-09-24. Review status: criteria provided, single submitter. Criteria: Invitae Variant Classification Sherloc (09022015). Collection method: clinical testing. Allele origin: germline.
Comment: This sequence change replaces isoleucine with threonine at codon 205 of the TPP1 protein (p.Ile205Thr). The isoleucine residue is moderately conserved and there is a moderate physicochemical difference between isoleucine and threonine. This variant is not present in population databases (ExAC no frequency). This variant has not been reported in the literature in individuals with TPP1-related conditions. Advanced modeling of protein sequence and biophysical properties (such as structural, functional, and spatial information, amino acid conservation, physicochemical variation, residue mobility, and thermodynamic stability) performed at Invitae indicates that this missense variant is expected to disrupt TPP1 protein function. In summary, the available evidence is currently insufficient to determine the role of this variant in disease. Therefore, it has been classified as a Variant of Uncertain Significance.